The following is an entry in ClinVar:

ClinVar aggregate classification (germline): Uncertain significance. Review status: criteria provided, single submitter (1 of 4 stars). 2 submissions from 2 submitters: Uncertain significance (1). 1 of the submissions does not count toward it. Last evaluated 2022-07-01.

Conditions:
Arginase deficiency. Also called: ARGININEMIA; ARG1 DEFICIENCY; Arginase 1 Deficiency. Identifiers: Orphanet 90, MedGen C0268548, MONDO:0008814, OMIM 207800.

Submissions (2):

Labcorp Genetics (formerly Invitae), Labcorp
Classification: Uncertain significance for Arginase deficiency. Last evaluated: 2022-07-01. Review status: criteria provided, single submitter. Criteria: Invitae Variant Classification Sherloc (09022015). Collection method: clinical testing. Allele origin: germline.
Comment: This sequence change creates a premature translational stop signal (p.Asp316*) in the ARG1 gene. While this is not anticipated to result in nonsense mediated decay, it is expected to disrupt the last 7 amino acid(s) of the ARG1 protein. This variant is not present in population databases (gnomAD no frequency). This variant has not been reported in the literature in individuals affected with ARG1-related conditions. ClinVar contains an entry for this variant (Variation ID: 553262). Experimental studies and prediction algorithms are not available or were not evaluated, and the functional significance of this variant is currently unknown. In summary, the available evidence is currently insufficient to determine the role of this variant in disease. Therefore, it has been classified as a Variant of Uncertain Significance.

Counsyl
Classification: Uncertain significance for Arginase deficiency. Last evaluated: 2017-08-11. Review status: no assertion criteria provided. Collection method: clinical testing. Allele origin: unknown. Not counted in ClinVar's aggregate classification.

NM_000045.4(ARG1):c.945dup (p.Asp316Ter)

Genes: ARG1 (arginase 1; plus strand), MED23 (mediator complex subunit 23; minus strand). Cytogenetic location: 6q23.2.
Variant type: Duplication.
Coding change: c.945dup on transcript NM_000045.4 (MANE Select); coding-DNA position 945, one base duplicated (T; older notation c.945dupT).
Protein change: p.Asp316Ter; replaces aspartic acid 316 with a stop codon.
Molecular consequence: nonsense. On other transcripts: non-coding transcript variant (1), intron variant (2).
Genome position (GRCh38, 1-based): chr6:131,583,884, T duplicated; the last of 2 consecutive T bases (chr6:131,583,883-131,583,884); duplicating either gives the same sequence. VCF-style (leftmost placement, unchanged base first): chr6-131583882-A-AT. GRCh37 (hg19) VCF-style: chr6-131905022-A-AT.
Other names: c.969dup, p.Asp324Ter (NM_001244438.2); c.690dup, p.Asp231Ter (NM_001369020.1); c.4077+3826dup (NM_001270521.2); c.4095+3826dup (NM_015979.4); c.945dupT (NM_000045.3); short protein forms D324*, D231*, D316*.
Identifiers: ClinVar variation 553262 (VCV000553262.6), dbSNP rs1420954130, ClinGen allele CA658821329.